The following is an entry in ClinVar:

ClinVar aggregate classification (germline): Uncertain significance. Review status: criteria provided, multiple submitters, no conflicts (2 of 4 stars). 3 submissions from 3 submitters: Uncertain significance (3). Last evaluated 2025-04-07.

Conditions:
POLR1C-related disorder. Also called: POLR1C-related condition; POLR1C-related disorders. Identifiers: MedGen CN239394, MONDO:0700278.

Allele frequency attached by ClinVar (database versions not stated): gnomAD exomes 0.00016 and 0.00007; gnomAD 0.00019 and 0.00021; TOPMed 0.00029; 1000 Genomes Project 0.00060; 1000 Genomes Project 30x 0.00078; ExAC 0.00013.
gnomAD v4.1: 131 of 1,614,068 alleles (0.0081%); highest among the groups gnomAD compares: Admixed American, 0.11%; no homozygotes.

Submissions (3):

PreventionGenetics, part of Exact Sciences
Classification: Uncertain significance for POLR1C-related condition. Last evaluated: 2025-04-07. Review status: criteria provided, single submitter. Criteria: ACMG Guidelines, 2015. Collection method: clinical testing. Allele origin: germline.
Comment: The POLR1C c.37C>T variant is predicted to result in the amino acid substitution p.Arg13Cys. To our knowledge, this variant has not been reported in the literature. This variant is reported in 0.085% of alleles in individuals of Latino descent in gnomAD. Although we suspect that this variant may be benign, at this time, the clinical significance of this variant is uncertain due to the absence of conclusive functional and genetic evidence.

Labcorp Genetics (formerly Invitae), Labcorp
Classification: Uncertain significance. Last evaluated: 2024-02-17. Review status: criteria provided, single submitter. Criteria: Invitae Variant Classification Sherloc (09022015). Collection method: clinical testing. Allele origin: germline.
Comment: This sequence change replaces arginine, which is basic and polar, with cysteine, which is neutral and slightly polar, at codon 13 of the POLR1C protein (p.Arg13Cys). This variant is present in population databases (rs201754745, gnomAD 0.09%). This variant has not been reported in the literature in individuals affected with POLR1C-related conditions. ClinVar contains an entry for this variant (Variation ID: 809939). An algorithm developed to predict the effect of missense changes on protein structure and function (PolyPhen-2) suggests that this variant is likely to be disruptive. In summary, the available evidence is currently insufficient to determine the role of this variant in disease. Therefore, it has been classified as a Variant of Uncertain Significance.

CeGaT Center for Human Genetics Tuebingen
Classification: Uncertain significance. Last evaluated: 2017-11-01. Review status: criteria provided, single submitter. Criteria: CeGaT Center For Human Genetics Tuebingen Variant Classification Criteria Version 2. Collection method: clinical testing. Allele origin: germline. Affected: yes. Observed: 1 variant allele.

NM_203290.4(POLR1C):c.37C>T (p.Arg13Cys)

Genes: POLR1C (RNA polymerase I and III subunit C; plus strand), LOC129996517 (ATAC-STARR-seq lymphoblastoid active region 24602; plus strand). Cytogenetic location: 6p21.1.
Variant type: single nucleotide variant.
Coding change: c.37C>T on transcript NM_203290.4 (MANE Select); coding-DNA position 37, C replaced by T.
Protein change: p.Arg13Cys; replaces arginine 13 with cysteine.
Molecular consequence: missense variant.
Genome position (GRCh38, 1-based): chr6:43,517,146, C>T. VCF-style: chr6-43517146-C-T. GRCh37 (hg19) VCF-style: chr6-43484884-C-T.
Other names: c.37C>T (NM_203290.3); c.37C>T, p.Arg13Cys (NM_001318876.2, NM_001363658.2); short protein forms R13C.
Identifiers: ClinVar variation 809939 (VCV000809939.47), dbSNP rs201754745, ClinGen allele CA3825277.
Genomic context (GRCh38, chr6:43,517,146, plus strand): 5'-TCTAGTCTCGTGGAGAGATTGAAGATGGCGGCTTCTCAGGCGGTGGAGGAAATGCGGAGC[C>T]GCGTGGTTCTGGGGGAGTTTGGGGTTCGCAATGTAAGCCTTGTGGCCTTGAGCTCGGGCG-3'
Protein context (NP_976035.1, residues 3-23): ASQAVEEMRS[Arg13Cys]VVLGEFGVRN